The following is an entry in ClinVar:

ClinVar aggregate classification (germline): Conflicting classifications of pathogenicity. Review status: criteria provided, conflicting classifications (1 of 4 stars). 3 submissions from 3 submitters: Uncertain significance (2); Likely benign (1). Last evaluated 2025-06-23.

Conditions:
Emery-Dreifuss muscular dystrophy 4, autosomal dominant (EDMD4). Also called: EMERY-DREIFUSS MUSCULAR DYSTROPHY 4 WITH VARIABLE FEATURES. Identifiers: Orphanet 261, MedGen C2751807, MONDO:0013071, OMIM 612998.
Autosomal recessive ataxia, Beauce type. Also called: ATAXIA, RECESSIVE, OF BEAUCE; SYNE1-Related Autosomal Recessive Cerebellar Ataxia; Spinocerebellar ataxia, autosomal recessive 8; SYNE1 Deficiency. Identifiers: Orphanet 88644, MedGen C1853116, MONDO:0012549, OMIM 610743.

Allele frequency attached by ClinVar (database versions not stated): gnomAD exomes 0.00001; ExAC 0.00002; TOPMed 0.00002; ESP Exome Variant Server 0.00008.
gnomAD v4.1: 15 of 1,613,754 alleles (0.00093%); highest among the groups gnomAD compares: African/African-American, 0.0013%; no homozygotes.

Submissions (3):

Labcorp Genetics (formerly Invitae), Labcorp
Classification: Uncertain significance for Emery-Dreifuss muscular dystrophy 4, autosomal dominant; Autosomal recessive ataxia, Beauce type. Last evaluated: 2025-06-23. Review status: criteria provided, single submitter. Criteria: Invitae Variant Classification Sherloc (09022015). Collection method: clinical testing. Allele origin: germline.
Comment: This sequence change falls in intron 59 of the SYNE1 gene. It does not directly change the encoded amino acid sequence of the SYNE1 protein. It affects a nucleotide within the consensus splice site. This variant is present in population databases (rs372138410, gnomAD 0.007%). This variant has not been reported in the literature in individuals affected with SYNE1-related conditions. ClinVar contains an entry for this variant (Variation ID: 387083). Variants that disrupt the consensus splice site are a relatively common cause of aberrant splicing (PMID: 17576681, 9536098). Algorithms developed to predict the effect of sequence changes on RNA splicing suggest that this variant is not likely to affect RNA splicing. In summary, the available evidence is currently insufficient to determine the role of this variant in disease. Therefore, it has been classified as a Variant of Uncertain Significance.

Athena Diagnostics
Classification: Uncertain significance. Last evaluated: 2024-08-29. Review status: criteria provided, single submitter. Criteria: Athena Diagnostics Criteria. Collection method: clinical testing. Allele origin: unknown.

GeneDx
Classification: Likely benign. Last evaluated: 2017-12-28. Review status: criteria provided, single submitter. Criteria: GeneDx Variant Classification (06012015). Collection method: clinical testing. Allele origin: germline. Affected: yes.
Comment: This variant is considered likely benign or benign based on one or more of the following criteria: it is a conservative change, it occurs at a poorly conserved position in the protein, it is predicted to be benign by multiple in silico algorithms, and/or has population frequency not consistent with disease.

Literature cited by the submitters: PubMed 17576681 (cited by Labcorp Genetics (formerly Invitae), Labcorp); PubMed 9536098 (cited by Labcorp Genetics (formerly Invitae), Labcorp).

NM_182961.4(SYNE1):c.9507+6T>C

Gene: SYNE1 (spectrin repeat containing nuclear envelope protein 1; minus strand). Cytogenetic location: 6q25.2.
Variant type: single nucleotide variant.
Coding change: c.9507+6T>C on transcript NM_182961.4 (MANE Select); 6 bases into the intron after coding-DNA position 9507, T replaced by C.
Molecular consequence: intron variant.
Genome position (GRCh38, 1-based): chr6:152,373,031, A>G on the plus strand (T>C on the coding strand, the complement: SYNE1 is on the minus strand). VCF-style: chr6-152373031-A-G. GRCh37 (hg19) VCF-style: chr6-152694166-A-G.
Other names: c.9507+6T>C (NM_182961.2); c.9528+6T>C (NM_033071.5).
Identifiers: ClinVar variation 387083 (VCV000387083.9), dbSNP rs372138410, ClinGen allele CA4057313.